The following is an entry in ClinVar:

NM_020778.5(ALPK3):c.2999C>T (p.Thr1000Ile)

Gene: ALPK3 (alpha kinase 3; plus strand). Cytogenetic location: 15q25.3.
Variant type: single nucleotide variant.
Coding change: c.2999C>T on transcript NM_020778.5 (MANE Select); coding-DNA position 2999, C replaced by T.
Protein change: p.Thr1000Ile; replaces threonine 1000 with isoleucine.
Molecular consequence: missense variant.
Genome position (GRCh38, 1-based): chr15:84,857,737, C>T. VCF-style: chr15-84857737-C-T. GRCh37 (hg19) VCF-style: chr15-85400968-C-T.
Other names: short protein forms T1000I.
Identifiers: ClinVar variation 2001412 (VCV002001412.4), dbSNP rs1231219923, ClinGen allele CA393359399.

ClinVar aggregate classification (germline): Uncertain significance (1 of 4 stars; one submission).

Submission:

Labcorp Genetics (formerly Invitae), Labcorp
Classification: Uncertain significance. Last evaluated: 2022-08-21. Review status: criteria provided, single submitter. Criteria: Invitae Variant Classification Sherloc (09022015). Collection method: clinical testing. Allele origin: germline.
Comment: In summary, the available evidence is currently insufficient to determine the role of this variant in disease. Therefore, it has been classified as a Variant of Uncertain Significance. Algorithms developed to predict the effect of missense changes on protein structure and function are either unavailable or do not agree on the potential impact of this missense change (SIFT: "Tolerated"; PolyPhen-2: "Possibly Damaging"; Align-GVGD: "Class C0"). This variant has not been reported in the literature in individuals affected with ALPK3-related conditions. This variant is not present in population databases (gnomAD no frequency). This sequence change replaces threonine, which is neutral and polar, with isoleucine, which is neutral and non-polar, at codon 1202 of the ALPK3 protein (p.Thr1202Ile).